The following is an entry in ClinVar:

ClinVar aggregate classification (germline): Uncertain significance. Review status: criteria provided, multiple submitters, no conflicts (2 of 4 stars). 4 submissions from 4 submitters: Uncertain significance (3). 1 of the submissions does not count toward it. Last evaluated 2023-05-05.

Conditions:
Hereditary cancer-predisposing syndrome. Also called: Neoplastic Syndromes, Hereditary; Hereditary Cancer Syndrome; Tumor predisposition; Hereditary neoplastic syndrome. Identifiers: Orphanet 140162, MedGen C0027672, MeSH D009386, MONDO:0015356.
Ataxia-telangiectasia syndrome (AT). Also called: ATAXIA-TELANGIECTASIA, FRESNO VARIANT; ATAXIA-TELANGIECTASIA, COMPLEMENTATION GROUP A; Ataxia-telangiectasia, complementation group D; AT, COMPLEMENTATION GROUP C; Ataxia telangiectasia (A-T); LOUIS-BAR SYNDROME. Identifiers: Orphanet 100, MedGen C0004135, MONDO:0008840, OMIM 208900.
Familial cancer of breast. Also called: BREAST CANCER, FAMILIAL; Hereditary breast cancer; hereditary breast carcinoma. Identifiers: Orphanet 227535, MedGen C0346153, MONDO:0016419, OMIM 114480. Disease mechanism: loss of function.

Allele frequency attached by ClinVar (database versions not stated): gnomAD exomes below 0.00001.
gnomAD v4.1: 4 of 1,611,184 alleles (0.00025%); highest among the groups gnomAD compares: South Asian, 0.0044%; no homozygotes.

Submissions (4):

Labcorp Genetics (formerly Invitae), Labcorp
Classification: Uncertain significance for Ataxia-telangiectasia syndrome. Last evaluated: 2023-05-05. Review status: criteria provided, single submitter. Criteria: Invitae Variant Classification Sherloc (09022015). Collection method: clinical testing. Allele origin: germline.
Comment: This sequence change replaces glutamic acid, which is acidic and polar, with lysine, which is basic and polar, at codon 1428 of the ATM protein (p.Glu1428Lys). This variant is present in population databases (no rsID available, gnomAD 0.003%). This variant has not been reported in the literature in individuals affected with ATM-related conditions. ClinVar contains an entry for this variant (Variation ID: 1439834). An algorithm developed to predict the effect of missense changes on protein structure and function (PolyPhen-2) suggests that this variant is likely to be tolerated. In summary, the available evidence is currently insufficient to determine the role of this variant in disease. Therefore, it has been classified as a Variant of Uncertain Significance.

MGZ Medical Genetics Center
Classification: Uncertain significance for Familial cancer of breast. Last evaluated: 2021-11-29. Review status: criteria provided, single submitter. Criteria: ACMG Guidelines, 2015. Collection method: clinical testing. Allele origin: germline. Affected: yes. Observed: 1 variant allele.
Comment: ACMG criteria applied: PM2_SUP, BP4

Ambry Genetics
Classification: Uncertain significance for Hereditary cancer-predisposing syndrome. Last evaluated: 2016-12-21. Review status: criteria provided, single submitter. Criteria: Ambry Variant Classification Scheme 2023. Collection method: clinical testing. Allele origin: germline.
Comment: The p.E1428K variant (also known as c.4282G>A), located in coding exon 28 of the ATM gene, results from a G to A substitution at nucleotide position 4282. The glutamic acid at codon 1428 is replaced by lysine, an amino acid with similar properties. This amino acid position is well conserved in available vertebrate species. In addition, the in silico prediction for this alteration is inconclusive. Since supporting evidence is limited at this time, the clinical significance of this alteration remains unclear.

Natera, Inc.
Classification: Uncertain significance for Ataxia-telangiectasia. Last evaluated: 2025-03-28. Review status: no assertion criteria provided. Collection method: clinical testing. Allele origin: germline. Not counted in ClinVar's aggregate classification.

NM_000051.4(ATM):c.4282G>A (p.Glu1428Lys)

Gene: ATM (ATM serine/threonine kinase; plus strand). Cytogenetic location: 11q22.3.
Variant type: single nucleotide variant.
Coding change: c.4282G>A on transcript NM_000051.4 (MANE Select); coding-DNA position 4282, G replaced by A.
Protein change: p.Glu1428Lys; replaces glutamic acid 1428 with lysine.
Molecular consequence: missense variant.
Genome position (GRCh38, 1-based): chr11:108,289,647, G>A. VCF-style: chr11-108289647-G-A. GRCh37 (hg19) VCF-style: chr11-108160374-G-A.
Other names: c.4282G>A (NM_000051.3); c.4282G>A, p.Glu1428Lys (NM_001351834.2); short protein forms E1428K.
Identifiers: ClinVar variation 1439834 (VCV001439834.11), dbSNP rs1369272813, ClinGen allele CA382531360.